The following is an entry in ClinVar:

ClinVar aggregate classification (germline): Conflicting classifications of pathogenicity. Review status: criteria provided, conflicting classifications (1 of 4 stars). 6 submissions from 6 submitters: Uncertain significance (4); Likely benign (1). 1 of the submissions does not count toward it. Last evaluated 2025-03-29.

Conditions:
Breast and/or ovarian cancer. Identifiers: MedGen CN221562.
Hereditary breast ovarian cancer syndrome. Also called: Breast and ovarian cancer; Hereditary breast and ovarian cancer; Hereditary breast and ovarian cancer syndrome; Hereditary breast and/or ovarian cancer syndrome; BRCA1- and BRCA2-Associated Hereditary Breast and Ovarian Cancer; Hereditary breast and ovarian cancer syndrome (HBOC). Identifiers: Orphanet 145, MedGen C0677776, MeSH D061325, MONDO:0003582. Disease mechanism: loss of function.
Breast-ovarian cancer, familial, susceptibility to, 1 (BROVCA1). Also called: BRCA1 Hereditary Breast and Ovarian Cancer; OVARIAN CANCER, SUSCEPTIBILITY TO. Identifiers: Orphanet 145, MedGen C2676676, MONDO:0011450, OMIM 604370. Disease mechanism: loss of function.
Hereditary cancer-predisposing syndrome. Also called: Tumor predisposition; Hereditary Cancer Syndrome; Neoplastic Syndromes, Hereditary; Hereditary neoplastic syndrome. Identifiers: Orphanet 140162, MedGen C0027672, MeSH D009386, MONDO:0015356.

Allele frequency attached by ClinVar (database versions not stated): gnomAD 0.00001; gnomAD exomes 0.00001.
gnomAD v4.1: 6 of 1,613,744 alleles (0.00037%); highest among the groups gnomAD compares: Non-Finnish European, 0.00051%; no homozygotes.

Submissions (6):

Labcorp Genetics (formerly Invitae), Labcorp
Classification: Uncertain significance for Hereditary breast ovarian cancer syndrome. Last evaluated: 2025-03-29. Review status: criteria provided, single submitter. Criteria: Invitae Variant Classification Sherloc (09022015). Collection method: clinical testing. Allele origin: germline.
Comment: This sequence change replaces isoleucine, which is neutral and non-polar, with serine, which is neutral and polar, at codon 1031 of the BRCA1 protein (p.Ile1031Ser). This variant is not present in population databases (gnomAD no frequency). This missense change has been observed in individual(s) with breast and/or ovarian cancer (PMID: 27376475, 32772980). ClinVar contains an entry for this variant (Variation ID: 216661). Invitae Evidence Modeling of protein sequence and biophysical properties (such as structural, functional, and spatial information, amino acid conservation, physicochemical variation, residue mobility, and thermodynamic stability) indicates that this missense variant is not expected to disrupt BRCA1 protein function with a negative predictive value of 80%. In summary, the available evidence is currently insufficient to determine the role of this variant in disease. Therefore, it has been classified as a Variant of Uncertain Significance.

Ambry Genetics
Classification: Uncertain significance for Hereditary cancer-predisposing syndrome. Last evaluated: 2023-06-14. Review status: criteria provided, single submitter. Criteria: Ambry Variant Classification Scheme 2023. Collection method: clinical testing. Allele origin: germline.
Comment: The p.I1031S variant (also known as c.3092T>G), located in coding exon 9 of the BRCA1 gene, results from a T to G substitution at nucleotide position 3092. The isoleucine at codon 1031 is replaced by serine, an amino acid with dissimilar properties. This alteration was reported in a cohort of 402 hereditary breast and ovarian cancer patients (Schenkel LC et al. J Mol Diagn, 2016 09;18:657-667). This amino acid position is not well conserved in available vertebrate species, and serine is the reference amino acid in other vertebrate species. In addition, the in silico prediction for this alteration is inconclusive. Since supporting evidence is limited at this time, the clinical significance of this alteration remains unclear.

University of Washington Department of Laboratory Medicine, University of Washington
Classification: Likely benign for Hereditary cancer-predisposing syndrome. Last evaluated: 2023-03-23. Review status: criteria provided, single submitter. Criteria: Dines et al. (Genet Med. 2020). Collection method: curation. Allele origin: germline.
Comment: Missense variant in a coldspot region where missense variants are very unlikely to be pathogenic (PMID:31911673).

BRCA1 coldspot (exon 11 using historical exon numbering). Reclassification based on statistical prior probability

Color Diagnostics, LLC DBA Color Health
Classification: Uncertain significance for Hereditary cancer-predisposing syndrome. Last evaluated: 2021-05-18. Review status: criteria provided, single submitter. Criteria: ACMG Guidelines, 2015. Collection method: clinical testing. Allele origin: germline.
Comment: This missense variant replaces isoleucine with serine at codon 1031 of the BRCA1 protein. Computational prediction is inconclusive regarding the impact of this variant on protein structure and function (internally defined REVEL score threshold 0.5 < inconclusive < 0.7, PMID: 27666373). To our knowledge, functional studies have not been reported for this variant. This variant has been detected in an individual affected with ovarian cancer and a suspected hereditary breast and ovarian cancer family (PMID: 27376475, 32772980) and in a breast cancer case-control meta-analysis in one unaffected individual and absent in cases (PMID: 33471991; Leiden Open Variation Database DB-ID BRCA1_005977). This variant has not been identified in the general population by the Genome Aggregation Database (gnomAD). The available evidence is insufficient to determine the role of this variant in disease conclusively. Therefore, this variant is classified as a Variant of Uncertain Significance.

Mendelics
Classification: Uncertain significance for Breast-ovarian cancer, familial, susceptibility to, 1. Last evaluated: 2019-05-28. Review status: criteria provided, single submitter. Criteria: Mendelics Assertion Criteria 2017. Collection method: clinical testing. Allele origin: unknown.

Foulkes Cancer Genetics LDI, Lady Davis Institute for Medical Research
Classification: Uncertain significance for Breast and/or ovarian cancer. Last evaluated: 2015-04-02. Review status: no assertion criteria provided. Collection method: clinical testing. Allele origin: germline. Study: The Canadian Open Genetics Repository (COGR). Not counted in ClinVar's aggregate classification.

Literature cited by the submitters: PubMed 27376475 (cited by Labcorp Genetics (formerly Invitae), Labcorp and Ambry Genetics); PubMed 32772980 (cited by Labcorp Genetics (formerly Invitae), Labcorp and Ambry Genetics).

NM_007294.4(BRCA1):c.3092T>G (p.Ile1031Ser)

Gene: BRCA1 (BRCA1 DNA repair associated; minus strand). Cytogenetic location: 17q21.31.
Variant type: single nucleotide variant.
Coding change: c.3092T>G on transcript NM_007294.4 (MANE Select); coding-DNA position 3092, T replaced by G.
Protein change: p.Ile1031Ser; replaces isoleucine 1031 with serine.
Molecular consequence: missense variant. On other transcripts: intron variant (137).
Genome position (GRCh38, 1-based): chr17:43,092,439, A>C on the plus strand (T>G on the coding strand, the complement: BRCA1 is on the minus strand). VCF-style: chr17-43092439-A-C. GRCh37 (hg19) VCF-style: chr17-41244456-A-C.
Other names: c.2879T>G, p.Ile960Ser (NM_001407571.1, NM_001407853.1, NM_001407894.1 and 9 more transcripts); c.3092T>G, p.Ile1031Ser (NM_001407581.1, NM_001407582.1, NM_001407583.1 and 30 more transcripts); c.3089T>G, p.Ile1030Ser (NM_001407587.1, NM_001407590.1, NM_001407591.1 and 22 more transcripts); c.3083T>G, p.Ile1028Ser (NM_001407646.1, NM_001407647.1); c.2969T>G, p.Ile990Ser (NM_001407648.1, NM_001407664.1, NM_001407665.1 and 19 more transcripts); c.2966T>G, p.Ile989Ser (NM_001407649.1, NM_001407685.1, NM_001407686.1 and 11 more transcripts); c.3014T>G, p.Ile1005Ser (NM_001407653.1, NM_001407654.1, NM_001407655.1 and 4 more transcripts); c.3011T>G, p.Ile1004Ser (NM_001407659.1, NM_001407660.1, NM_001407661.1 and 1 more transcripts); and 41 more; short protein forms I1031S, I984S, I1030S, I920S, I943S, I983S, I989S, I1004S.
Identifiers: ClinVar variation 216661 (VCV000216661.20), dbSNP rs863224758, ClinGen allele CA336467.